The following is an entry in ClinVar:

ClinVar aggregate classification (germline): Uncertain significance (1 of 4 stars; one submission).

Conditions:
KBG syndrome (KBGS). Also called: ANKRD11-Related KBG Syndrome. Identifiers: Orphanet 2332, MedGen C0220687, MONDO:0007846, OMIM 148050.

gnomAD v4.1: 1 of 1,613,952 alleles (0.000062%); highest among the groups gnomAD compares: East Asian, 0.0022%; no homozygotes.

Submission:

Labcorp Genetics (formerly Invitae), Labcorp
Classification: Uncertain significance for KBG syndrome. Last evaluated: 2025-08-20. Review status: criteria provided, single submitter. Criteria: Invitae Variant Classification Sherloc (09022015). Collection method: clinical testing. Allele origin: germline.
Comment: This sequence change replaces alanine, which is neutral and non-polar, with serine, which is neutral and polar, at codon 618 of the ANKRD11 protein (p.Ala618Ser). The frequency data for this variant in the population databases is considered unreliable, as metrics indicate poor data quality at this position in the gnomAD database. This variant has not been reported in the literature in individuals affected with ANKRD11-related conditions. Invitae Evidence Modeling of protein sequence and biophysical properties (such as structural, functional, and spatial information, amino acid conservation, physicochemical variation, residue mobility, and thermodynamic stability) indicates that this missense variant is not expected to disrupt ANKRD11 protein function with a negative predictive value of 95%. In summary, the available evidence is currently insufficient to determine the role of this variant in disease. Therefore, it has been classified as a Variant of Uncertain Significance.

NM_013275.6(ANKRD11):c.1852G>T (p.Ala618Ser)

Gene: ANKRD11 (ankyrin repeat domain 11; minus strand). Cytogenetic location: 16q24.3.
Variant type: single nucleotide variant.
Coding change: c.1852G>T on transcript NM_013275.6 (MANE Select); coding-DNA position 1852, G replaced by T.
Protein change: p.Ala618Ser; replaces alanine 618 with serine.
Molecular consequence: missense variant.
Genome position (GRCh38, 1-based): chr16:89,284,690, C>A on the plus strand (G>T on the coding strand, the complement: ANKRD11 is on the minus strand). VCF-style: chr16-89284690-C-A. GRCh37 (hg19) VCF-style: chr16-89351098-C-A.
Other names: c.1852G>T, p.Ala618Ser (NM_001256182.2, NM_001256183.2); short protein forms A618S.
Identifiers: ClinVar variation 4771870 (VCV004771870.1).